The following is an entry in ClinVar:

ClinVar aggregate classification (germline): Pathogenic (1 of 4 stars; one submission).

Conditions:
Tuberous sclerosis 2 (TSC2). Identifiers: Orphanet 805, MedGen C1860707, MONDO:0013199, OMIM 613254.

Submission:

Labcorp Genetics (formerly Invitae), Labcorp
Classification: Pathogenic for Tuberous sclerosis 2. Last evaluated: 2024-04-20. Review status: criteria provided, single submitter. Criteria: Invitae Variant Classification Sherloc (09022015). Collection method: clinical testing. Allele origin: germline.
Comment: This sequence change creates a premature translational stop signal (p.Ser1427Cysfs*96) in the TSC2 gene. It is expected to result in an absent or disrupted protein product. Loss-of-function variants in TSC2 are known to be pathogenic (PMID: 10205261, 17304050). This variant is not present in population databases (gnomAD no frequency). This variant has not been reported in the literature in individuals affected with TSC2-related conditions. For these reasons, this variant has been classified as Pathogenic.

Literature cited by the submitters: PubMed 10205261; PubMed 17304050.

NM_000548.5(TSC2):c.4278_4279del (p.Ser1427fs)

Gene: TSC2 (TSC complex subunit 2; plus strand). Cytogenetic location: 16p13.3.
Variant type: Deletion.
Coding change: c.4278_4279del on transcript NM_000548.5 (MANE Select); coding-DNA positions 4278 to 4279, 2 bases deleted (AA; older notation c.4278_4279delAA).
Protein change: p.Ser1427fs; shifts the reading frame from serine 1427.
Molecular consequence: frameshift variant. On other transcripts: non-coding transcript variant (5).
Genome position (GRCh38, 1-based): chr16:2,084,500-2,084,501, AA deleted; deleting any 2 consecutive bases within chr16:2,084,499-2,084,501 gives the same sequence; the c. name uses the placement nearest the transcript's 3' end. VCF-style (leftmost placement, unchanged base first): chr16-2084498-GAA-G. GRCh37 (hg19) VCF-style: chr16-2134499-GAA-G.
Other names: c.3609_3610del, p.Ser1204fs (NM_001406683.1, NM_001406682.1); c.3606_3607del, p.Ser1203fs (NM_001406684.1); c.3480_3481del, p.Ser1161fs (NM_001406685.1, NM_001406686.1); c.3477_3478del, p.Ser1160fs (NM_001406687.1, NM_001406688.1); c.2865_2866del, p.Ser956fs (NM_001406689.1); c.2805_2806del, p.Ser936fs (NM_001406690.1); c.2802_2803del, p.Ser935fs (NM_001406691.1); c.2736_2737del, p.Ser913fs (NM_001406692.1, NM_001406693.1, NM_001406694.1); and 26 more; short protein forms S1203fs, S1361fs, S1371fs, S912fs, S936fs, S956fs, S1183fs, S1204fs.
Identifiers: ClinVar variation 3647938 (VCV003647938.2).
Genomic context (GRCh38, chr16:2,084,498, plus strand): 5'-GACGTGGGCCGGCTGAGCCCTGAGGTTAAGGCCCGGTCACAGTCAGGGACCCTGGACGGG[GAA>G]AGTGCTGCCTGGTCGGCCTCGGGCGAAGACAGTCGGGGCCAGCCCGAGGGTCCCTTGCCT-3'